The following is an entry in ClinVar:

NM_015559.3(SETBP1):c.1532A>T (p.Asp511Val)

Gene: SETBP1 (SET binding protein 1; plus strand). Cytogenetic location: 18q12.3.
Variant type: single nucleotide variant.
Coding change: c.1532A>T on transcript NM_015559.3 (MANE Select); coding-DNA position 1532, A replaced by T.
Protein change: p.Asp511Val; replaces aspartic acid 511 with valine.
Molecular consequence: missense variant.
Genome position (GRCh38, 1-based): chr18:44,950,872, A>T. VCF-style: chr18-44950872-A-T. GRCh37 (hg19) VCF-style: chr18-42530837-A-T.
Other names: c.1532A>T, p.Asp511Val (NM_001379141.1, NM_001379142.1, NM_001410862.1); short protein forms D511V.
Identifiers: ClinVar variation 2770569 (VCV002770569.3), dbSNP rs2071330874, ClinGen allele CA402318721.

ClinVar aggregate classification (germline): Uncertain significance (1 of 4 stars; one submission).

Allele frequency attached by ClinVar (database versions not stated): gnomAD 0.00001; TOPMed below 0.00001.
gnomAD v4.1: 1 of 1,614,030 alleles (0.000062%); highest among the groups gnomAD compares: Admixed American, 0.0017%; no homozygotes.

Submission:

Labcorp Genetics (formerly Invitae), Labcorp
Classification: Uncertain significance. Last evaluated: 2025-12-30. Review status: criteria provided, single submitter. Criteria: Invitae Variant Classification Sherloc (09022015). Collection method: clinical testing. Allele origin: germline.
Comment: This sequence change replaces aspartic acid, which is acidic and polar, with valine, which is neutral and non-polar, at codon 511 of the SETBP1 protein (p.Asp511Val). This variant is not present in population databases (gnomAD no frequency). This variant has not been reported in the literature in individuals affected with SETBP1-related conditions. ClinVar contains an entry for this variant (Variation ID: 2770569). Invitae Evidence Modeling of protein sequence and biophysical properties (such as structural, functional, and spatial information, amino acid conservation, physicochemical variation, residue mobility, and thermodynamic stability) indicates that this missense variant is not expected to disrupt SETBP1 protein function with a negative predictive value of 80%. In summary, the available evidence is currently insufficient to determine the role of this variant in disease. Therefore, it has been classified as a Variant of Uncertain Significance.